The following is an entry in ClinVar:

NM_001384474.1(LOXHD1):c.4480_4481dup (p.Tyr1495fs)

Gene: LOXHD1 (lipoxygenase homology PLAT domains 1; minus strand). Cytogenetic location: 18q21.1.
Variant type: Duplication.
Coding change: c.4480_4481dup on transcript NM_001384474.1 (MANE Select); coding-DNA positions 4480 to 4481, 2 bases duplicated (CG; older notation c.4480_4481dupCG).
Protein change: p.Tyr1495fs; shifts the reading frame from tyrosine 1495.
Molecular consequence: frameshift variant.
Genome position (GRCh38, 1-based): chr18:46,529,226-46,529,227, CG duplicated on the plus strand (CG on the coding strand, the reverse complement: LOXHD1 is on the minus strand); duplicating any 2 consecutive bases within chr18:46,529,226-46,529,228 gives the same sequence; the c. name uses the placement nearest the transcript's 3' end. VCF-style (leftmost placement, unchanged base first): chr18-46529225-T-TCG. GRCh37 (hg19) VCF-style: chr18-44109188-T-TCG.
Other names: c.1147_1148dup, p.Tyr384fs (NM_001145472.3); c.859_860dup, p.Tyr288fs (NM_001308013.2); c.4480_4481dup, p.Tyr1495fs (NM_144612.7); short protein forms Y1495fs, Y288fs, Y384fs.
Identifiers: ClinVar variation 1073276 (VCV001073276.7), dbSNP rs2144220255, ClinGen allele CA2499225161.

ClinVar aggregate classification (germline): Pathogenic (1 of 4 stars; one submission).

Submission:

Labcorp Genetics (formerly Invitae), Labcorp
Classification: Pathogenic. Last evaluated: 2020-09-16. Review status: criteria provided, single submitter. Criteria: Invitae Variant Classification Sherloc (09022015). Collection method: clinical testing. Allele origin: germline.
Comment: For these reasons, this variant has been classified as Pathogenic. Loss-of-function variants in LOXHD1 are known to be pathogenic (PMID: 19732867, 21465660, 25792669). This variant has not been reported in the literature in individuals with LOXHD1-related conditions. This variant is not present in population databases (ExAC no frequency). This sequence change creates a premature translational stop signal (p.Tyr1495Aspfs*28) in the LOXHD1 gene. It is expected to result in an absent or disrupted protein product.

Literature cited by the submitters: PubMed 19732867; PubMed 21465660; PubMed 25792669.